The following is an entry in ClinVar:

NM_001008212.2(OPTN):c.235C>T (p.Gln79Ter)

Genes: OPTN (optineurin; plus strand), LOC108903148 (10p13 OPTN distal Alu-mediated recombination region; plus strand). Cytogenetic location: 10p13.
Variant type: single nucleotide variant.
Coding change: c.235C>T on transcript NM_001008212.2 (MANE Select); coding-DNA position 235, C replaced by T.
Protein change: p.Gln79Ter; replaces glutamine 79 with a stop codon.
Molecular consequence: nonsense.
Genome position (GRCh38, 1-based): chr10:13,110,342, C>T. VCF-style: chr10-13110342-C-T. GRCh37 (hg19) VCF-style: chr10-13152342-C-T.
Other names: c.235C>T, p.Gln79Ter (NM_001008211.1, NM_001008213.1, NM_021980.4); short protein forms Q79*.
Identifiers: ClinVar variation 2061646 (VCV002061646.5), dbSNP rs1358641287, ClinGen allele CA376027452.
Genomic context (GRCh38, chr10:13,110,342, plus strand): 5'-AAGCTAAATAATCAAGCCATGAAAGGGAGATTTGAGGAGCTTTCGGCCTGGACAGAGAAA[C>T]AGAAGGAAGAACGCCAGTTTTTTGAGATACAGAGCAAAGAAGCAAAAGAGCGTCTAATGG-3'

ClinVar aggregate classification (germline): Pathogenic/Likely pathogenic. Review status: criteria provided, multiple submitters, no conflicts (2 of 4 stars). 2 submissions from 2 submitters: Pathogenic (1); Likely pathogenic (1). Last evaluated 2026-01-18.

Conditions:
Glaucoma 1, open angle, E. Identifiers: MedGen C1842026, MONDO:0007665.
Primary open angle glaucoma (POAG). Also called: OPTN-related open angle glaucoma. Identifiers: MedGen C0339573, MONDO:0100553, OMIM 137760.
Amyotrophic lateral sclerosis type 12 (ALS12). Also called: AMYOTROPHIC LATERAL SCLEROSIS 12 WITH OR WITHOUT FRONTOTEMPORAL DEMENTIA. Identifiers: Orphanet 803, MedGen C3150692, MONDO:0013264, OMIM 613435.

Allele frequency attached by ClinVar (database versions not stated): gnomAD exomes below 0.00001; TOPMed below 0.00001; gnomAD 0.00001.

Submissions (2):

Labcorp Genetics (formerly Invitae), Labcorp
Classification: Pathogenic for Primary open angle glaucoma; Glaucoma 1, open angle, E; Amyotrophic lateral sclerosis type 12. Last evaluated: 2026-01-18. Review status: criteria provided, single submitter. Criteria: Invitae Variant Classification Sherloc (09022015). Collection method: clinical testing. Allele origin: germline.
Comment: This sequence change creates a premature translational stop signal (p.Gln79*) in the OPTN gene. It is expected to result in an absent or disrupted protein product. Loss-of-function variants in OPTN are known to be pathogenic (PMID: 20428114). This variant is present in population databases (no rsID available, gnomAD 0.003%). This premature translational stop signal has been observed in individual(s) with clinical features of OPTN-related conditions (PMID: 29525180). ClinVar contains an entry for this variant (Variation ID: 2061646). Algorithms developed to predict the effect of sequence changes on RNA splicing suggest that this variant may disrupt the consensus splice site. For these reasons, this variant has been classified as Pathogenic.

GeneDx
Classification: Likely pathogenic. Last evaluated: 2024-10-13. Review status: criteria provided, single submitter. Criteria: GeneDx Variant Classification Process June 2021. Collection method: clinical testing. Allele origin: germline. Affected: yes.
Comment: Identified in a proband with a suspected diagnosis of FTD (PMID: 29525180); Not observed at significant frequency in large population cohorts (gnomAD); Nonsense variant predicted to result in protein truncation or nonsense mediated decay in a gene for which loss of function is a known mechanism of disease; This variant is associated with the following publications: (PMID: 20428114, 29525180)

Literature cited by the submitters: PubMed 20428114 (cited by Labcorp Genetics (formerly Invitae), Labcorp); PubMed 29525180 (cited by Labcorp Genetics (formerly Invitae), Labcorp).